The following is an entry in ClinVar:

ClinVar aggregate classification (germline): Uncertain significance (1 of 4 stars; one submission).

Conditions:
Periodic fever-infantile enterocolitis-autoinflammatory syndrome. Also called: Autoinflammation with infantile enterocolitis. Identifiers: Orphanet 436166, MedGen C4015067, MONDO:0014472, OMIM 616050.
Familial cold autoinflammatory syndrome 4 (FCAS4). Identifiers: Orphanet 47045, Orphanet 576349, MedGen C4015276, MONDO:0014498, OMIM 616115.

gnomAD v4.1: 6 of 1,614,098 alleles (0.00037%); highest among the groups gnomAD compares: Middle Eastern, 0.016%; no homozygotes.

Submission:

Labcorp Genetics (formerly Invitae), Labcorp
Classification: Uncertain significance for Periodic fever-infantile enterocolitis-autoinflammatory syndrome; Familial cold autoinflammatory syndrome 4. Last evaluated: 2025-06-15. Review status: criteria provided, single submitter. Criteria: Invitae Variant Classification Sherloc (09022015). Collection method: clinical testing. Allele origin: germline.
Comment: This sequence change replaces methionine, which is neutral and non-polar, with threonine, which is neutral and polar, at codon 477 of the NLRC4 protein (p.Met477Thr). This variant is present in population databases (rs766313778, gnomAD 0.006%). This variant has not been reported in the literature in individuals affected with NLRC4-related conditions. Invitae Evidence Modeling of protein sequence and biophysical properties (such as structural, functional, and spatial information, amino acid conservation, physicochemical variation, residue mobility, and thermodynamic stability) has been performed for this missense variant. However, the output from this modeling did not meet the statistical confidence thresholds required to predict the impact of this variant on NLRC4 protein function. In summary, the available evidence is currently insufficient to determine the role of this variant in disease. Therefore, it has been classified as a Variant of Uncertain Significance.

NM_001199138.2(NLRC4):c.1430T>C (p.Met477Thr)

Gene: NLRC4 (NLR family CARD domain containing 4; minus strand). Cytogenetic location: 2p22.3.
Variant type: single nucleotide variant.
Coding change: c.1430T>C on transcript NM_001199138.2 (MANE Select); coding-DNA position 1430, T replaced by C.
Protein change: p.Met477Thr; replaces methionine 477 with threonine.
Molecular consequence: missense variant. On other transcripts: intron variant (1).
Genome position (GRCh38, 1-based): chr2:32,250,434, A>G on the plus strand (T>C on the coding strand, the complement: NLRC4 is on the minus strand). VCF-style: chr2-32250434-A-G. GRCh37 (hg19) VCF-style: chr2-32475503-A-G.
Other names: c.1430T>C, p.Met477Thr (NM_001199139.2, NM_021209.5); c.262+1985T>C (NM_001302504.1); short protein forms M477T.
Identifiers: ClinVar variation 4790953 (VCV004790953.1).